The following is an entry in ClinVar:

NM_182919.4(TICAM1):c.1151C>T (p.Ser384Phe)

Gene: TICAM1 (TIR domain containing adaptor molecule 1; minus strand). Cytogenetic location: 19p13.3.
Variant type: single nucleotide variant.
Coding change: c.1151C>T on transcript NM_182919.4 (MANE Select); coding-DNA position 1151, C replaced by T.
Protein change: p.Ser384Phe; replaces serine 384 with phenylalanine.
Molecular consequence: missense variant.
Genome position (GRCh38, 1-based): chr19:4,817,227, G>A on the plus strand (C>T on the coding strand, the complement: TICAM1 is on the minus strand). VCF-style: chr19-4817227-G-A. GRCh37 (hg19) VCF-style: chr19-4817239-G-A.
Other names: c.1109C>T, p.Ser370Phe (NM_001385678.1); c.1016C>T, p.Ser339Phe (NM_001385679.1); c.509C>T, p.Ser170Phe (NM_001385680.1); short protein forms S339F, S170F, S370F, S384F.
Identifiers: ClinVar variation 2107855 (VCV002107855.2), dbSNP rs2512398577, ClinGen allele CA403490882.

ClinVar aggregate classification (germline): Uncertain significance (1 of 4 stars; one submission).

Conditions:
Encephalopathy, acute, infection-induced (herpes-specific), susceptibility to, 6. Also called: Herpes simplex encephalitis, susceptibility to, 4. Identifiers: Orphanet 1930, MedGen C3553869, MONDO:0013921, OMIM 614850.

Submission:

Labcorp Genetics (formerly Invitae), Labcorp
Classification: Uncertain significance for Encephalopathy, acute, infection-induced (herpes-specific), susceptibility to, 6. Last evaluated: 2022-03-09. Review status: criteria provided, single submitter. Criteria: Invitae Variant Classification Sherloc (09022015). Collection method: clinical testing. Allele origin: germline.
Comment: Algorithms developed to predict the effect of missense changes on protein structure and function (SIFT, PolyPhen-2, Align-GVGD) all suggest that this variant is likely to be tolerated. In summary, the available evidence is currently insufficient to determine the role of this variant in disease. Therefore, it has been classified as a Variant of Uncertain Significance. This variant has not been reported in the literature in individuals affected with TICAM1-related conditions. This variant is not present in population databases (gnomAD no frequency). This sequence change replaces serine, which is neutral and polar, with phenylalanine, which is neutral and non-polar, at codon 384 of the TICAM1 protein (p.Ser384Phe).